The following is an entry in ClinVar:

NM_001278116.2(L1CAM):c.2234C>T (p.Ala745Val)

Gene: L1CAM (L1 cell adhesion molecule; minus strand). Cytogenetic location: Xq28.
Variant type: single nucleotide variant.
Coding change: c.2234C>T on transcript NM_001278116.2 (MANE Select); coding-DNA position 2234, C replaced by T.
Protein change: p.Ala745Val; replaces alanine 745 with valine.
Molecular consequence: missense variant.
Genome position (GRCh38, 1-based): chrX:153,866,846, G>A on the plus strand (C>T on the coding strand, the complement: L1CAM is on the minus strand). VCF-style: chrX-153866846-G-A. GRCh37 (hg19) VCF-style: chrX-153132301-G-A.
Other names: c.2234C>T, p.Ala745Val (NM_000425.5, NM_024003.3); c.2219C>T, p.Ala740Val (NM_001143963.2); short protein forms A740V, A745V.
Identifiers: ClinVar variation 1304313 (VCV001304313.2), dbSNP rs2148495200, ClinGen allele CA415120779.

ClinVar aggregate classification (germline): Uncertain significance (1 of 4 stars; one submission).

Submission:

GeneDx
Classification: Uncertain significance. Last evaluated: 2018-11-21. Review status: criteria provided, single submitter. Criteria: GeneDx Variant Classification Process June 2021. Collection method: clinical testing. Allele origin: germline. Affected: yes.
Comment: Not observed in large population cohorts (Lek et al., 2016); In silico analysis, which includes protein predictors and evolutionary conservation, supports a deleterious effect; Has not been previously published as pathogenic or benign to our knowledge